The following is an entry in ClinVar:

ClinVar aggregate classification (germline): Uncertain significance. Review status: criteria provided, multiple submitters, no conflicts (2 of 4 stars). 2 submissions from 2 submitters: Uncertain significance (2). Last evaluated 2025-06-22.

Allele frequency attached by ClinVar (database versions not stated): TOPMed 0.00001.

Submissions (2):

Labcorp Genetics (formerly Invitae), Labcorp
Classification: Uncertain significance. Last evaluated: 2025-06-22. Review status: criteria provided, single submitter. Criteria: Invitae Variant Classification Sherloc (09022015). Collection method: clinical testing. Allele origin: germline.
Comment: This sequence change replaces arginine, which is basic and polar, with tryptophan, which is neutral and slightly polar, at codon 21 of the CDC6 protein (p.Arg21Trp). This variant is present in population databases (rs754238733, gnomAD 0.006%). This variant has not been reported in the literature in individuals affected with CDC6-related conditions. ClinVar contains an entry for this variant (Variation ID: 2252935). An algorithm developed to predict the effect of missense changes on protein structure and function (PolyPhen-2) suggests that this variant is likely to be tolerated. In summary, the available evidence is currently insufficient to determine the role of this variant in disease. Therefore, it has been classified as a Variant of Uncertain Significance.

Ambry Genetics
Classification: Uncertain significance. Last evaluated: 2021-09-30. Review status: criteria provided, single submitter. Criteria: Ambry Variant Classification Scheme 2023. Collection method: clinical testing. Allele origin: germline.

NM_001254.4(CDC6):c.61C>T (p.Arg21Trp)

Gene: CDC6 (cell division cycle 6; plus strand). Cytogenetic location: 17q21.2.
Variant type: single nucleotide variant.
Coding change: c.61C>T on transcript NM_001254.4 (MANE Select); coding-DNA position 61, C replaced by T.
Protein change: p.Arg21Trp; replaces arginine 21 with tryptophan.
Molecular consequence: missense variant.
Genome position (GRCh38, 1-based): chr17:40,289,481, C>T. VCF-style: chr17-40289481-C-T. GRCh37 (hg19) VCF-style: chr17-38445733-C-T.
Other names: short protein forms R21W.
Identifiers: ClinVar variation 2252935 (VCV002252935.4), dbSNP rs754238733, ClinGen allele CA8541791.